The following is an entry in ClinVar:

NM_000110.4(DPYD):c.847A>G (p.Ile283Val)

Gene: DPYD (dihydropyrimidine dehydrogenase; minus strand). Cytogenetic location: 1p21.3.
Variant type: single nucleotide variant.
Coding change: c.847A>G on transcript NM_000110.4 (MANE Select); coding-DNA position 847, A replaced by G.
Protein change: p.Ile283Val; replaces isoleucine 283 with valine.
Molecular consequence: missense variant.
Genome position (GRCh38, 1-based): chr1:97,679,098, T>C on the plus strand (A>G on the coding strand, the complement: DPYD is on the minus strand). VCF-style: chr1-97679098-T-C. GRCh37 (hg19) VCF-style: chr1-98144654-T-C.
Other names: short protein forms I283V.
Identifiers: ClinVar variation 4870089 (VCV004870089.1).

ClinVar aggregate classification (germline): Uncertain significance (1 of 4 stars; one submission).

Conditions:
Inborn genetic diseases. Identifiers: MedGen C0950123, MeSH D030342.

gnomAD v4.1: 4 of 1,527,172 alleles (0.00026%); highest among the groups gnomAD compares: East Asian, 0.0023%; no homozygotes.

Submission:

Ambry Genetics
Classification: Uncertain significance for Inborn genetic diseases. Last evaluated: 2026-03-30. Review status: criteria provided, single submitter. Criteria: Ambry Variant Classification Scheme 2023. Collection method: clinical testing. Allele origin: germline.
Comment: The p.I283V variant (also known as c.847A>G), located in coding exon 8 of the DPYD gene, results from an A to G substitution at nucleotide position 847. The isoleucine at codon 283 is replaced by valine, an amino acid with highly similar properties. This amino acid position is conserved. In addition, the in silico prediction for this alteration is inconclusive. Based on the available evidence, the clinical significance of this variant remains unclear.